The following is an entry in ClinVar:

ClinVar aggregate classification (germline): Uncertain significance (1 of 4 stars; one submission).

Conditions:
Neuronal ceroid lipofuscinosis 2. Also called: JANSKY-BIELSCHOWSKY DISEASE NEURONAL CEROID LIPOFUSCINOSIS, LATE INFANTILE; TPP1-Related Neuronal Ceroid-Lipofuscinosis. Identifiers: Orphanet 168491, Orphanet 228349, Orphanet 79264, MedGen C1876161, MONDO:0008769, OMIM 204500.

Submission:

Myriad Genetics, Inc.
Classification: Uncertain significance for Neuronal ceroid lipofuscinosis 2. Last evaluated: 2025-09-22. Review status: criteria provided, single submitter. Criteria: Myriad Autosomal Dominant, Autosomal Recessive and X-Linked Classification Criteria (2023). Collection method: clinical testing. Allele origin: unknown.
Comment: NM_000391.3(TPP1):c.1670_1688del19(L557Pfs*15) is a frameshift variant that results in protein elongation classified as a variant of uncertain significance in the context of TPP1-related neuronal ceroid lipofuscinosis. L557Pfs*15 has not been observed in cases with relevant disease. Relevant functional assessments of this variant are not available in the literature. L557Pfs*15 has not been observed in referenced population frequency databases. In summary, there is insufficient evidence to classify NM_000391.3(TPP1):c.1670_1688del19(L557Pfs*15) as pathogenic or benign. Please note: this variant was assessed in the context of healthy population screening.

NM_000391.4(TPP1):c.1670_1688del (p.Leu557fs)

Gene: TPP1 (tripeptidyl peptidase 1; minus strand). Cytogenetic location: 11p15.4.
Variant type: Deletion.
Coding change: c.1670_1688del on transcript NM_000391.4 (MANE Select); coding-DNA positions 1670 to 1688, 19 bases deleted (TGAAGACTCTACTCAACCC).
Protein change: p.Leu557fs; shifts the reading frame from leucine 557.
Molecular consequence: frameshift variant.
Genome position (GRCh38, 1-based): chr11:6,614,550-6,614,568, GGGTTGAGTAGAGTCTTCA deleted on the plus strand (TGAAGACTCTACTCAACCC on the coding strand, the reverse complement: TPP1 is on the minus strand); deleting any 19 consecutive bases within chr11:6,614,550-6,614,569 gives the same sequence; the c. name uses the placement nearest the transcript's 3' end. VCF-style (leftmost placement, unchanged base first): chr11-6614549-GGGGTTGAGTAGAGTCTTCA-G. GRCh37 (hg19) VCF-style: chr11-6635780-GGGGTTGAGTAGAGTCTTCA-G.
Other names: short protein forms L557fs.
Identifiers: ClinVar variation 5004172 (VCV005004172.1).
Genomic context (GRCh38, chr11:6,614,549, plus strand): 5'-GGACTGAACTGCCAGCTTCAGGGCAGGGGACAAGCCATCTCTCCTGATAGGAAAGGGTCA[GGGGTTGAGTAGAGTCTTCA>G]GCAAAGCTGGGAAGTTGGGTGTTCCCCAGCCTGTTACAGGATCCCAGCCAGGACCAGAGC-3'